The following is an entry in ClinVar:

ClinVar aggregate classification (germline): Uncertain significance (1 of 4 stars; one submission).

Submission:

Labcorp Genetics (formerly Invitae), Labcorp
Classification: Uncertain significance. Last evaluated: 2022-02-27. Review status: criteria provided, single submitter. Criteria: Invitae Variant Classification Sherloc (09022015). Collection method: clinical testing. Allele origin: germline.
Comment: In summary, the available evidence is currently insufficient to determine the role of this variant in disease. Therefore, it has been classified as a Variant of Uncertain Significance. Algorithms developed to predict the effect of sequence changes on RNA splicing suggest that this variant may disrupt the consensus splice site. This variant has not been reported in the literature in individuals affected with COX6A1-related conditions. This variant is not present in population databases (gnomAD no frequency). This sequence change affects an acceptor splice site in intron 1 of the COX6A1 gene. It is expected to disrupt RNA splicing. Variants that disrupt the donor or acceptor splice site typically lead to a loss of protein function (PMID: 16199547), however the current clinical and genetic evidence is not sufficient to establish whether loss-of-function variants in COX6A1 cause disease.

Literature cited by the submitters: PubMed 16199547.

NM_004373.4(COX6A1):c.104-1G>C

Gene: COX6A1 (cytochrome c oxidase subunit 6A1; plus strand). Cytogenetic location: 12q24.31.
Variant type: single nucleotide variant.
Coding change: c.104-1G>C on transcript NM_004373.4 (MANE Select); the canonical splice acceptor site of the intron before coding-DNA position 104, G replaced by C.
Molecular consequence: splice acceptor variant.
Genome position (GRCh38, 1-based): chr12:120,438,378, G>C. VCF-style: chr12-120438378-G-C. GRCh37 (hg19) VCF-style: chr12-120876181-G-C.
Identifiers: ClinVar variation 2104051 (VCV002104051.4), dbSNP rs2500459258, ClinGen allele CA386568513.